The following is an entry in ClinVar:

NM_031307.4(PUS3):c.590A>G (p.Tyr197Cys)

Genes: HYLS1 (HYLS1 centriolar and ciliogenesis associated; plus strand), PUS3 (pseudouridine synthase 3; minus strand). Cytogenetic location: 11q24.2.
Variant type: single nucleotide variant.
Coding change: c.590A>G on transcript NM_031307.4 (MANE Select); coding-DNA position 590, A replaced by G.
Protein change: p.Tyr197Cys; replaces tyrosine 197 with cysteine.
Molecular consequence: missense variant. On other transcripts: 5 prime UTR variant (1), intron variant (5).
Genome position (GRCh38, 1-based): chr11:125,895,578, T>C on the plus strand (A>G on the coding strand, the complement: PUS3 is on the minus strand). VCF-style: chr11-125895578-T-C. GRCh37 (hg19) VCF-style: chr11-125765473-T-C.
Other names: c.-35A>G (NM_001271985.2); c.-80-3526T>C (NM_145014.3); c.-25-3766T>C (NM_001134793.2, NM_001377269.1); c.-22-3769T>C (NM_001424364.1, NM_001377270.1); short protein forms Y197C.
Identifiers: ClinVar variation 1508580 (VCV001508580.6), dbSNP rs1388530703, ClinGen allele CA383198954.

ClinVar aggregate classification (germline): Uncertain significance (1 of 4 stars; one submission).

Allele frequency attached by ClinVar (database versions not stated): TOPMed below 0.00001; gnomAD exomes 0.00001.
gnomAD v4.1: 16 of 1,614,168 alleles (0.00099%); highest among the groups gnomAD compares: Non-Finnish European, 0.0013%; no homozygotes.

Submission:

Labcorp Genetics (formerly Invitae), Labcorp
Classification: Uncertain significance. Last evaluated: 2025-08-21. Review status: criteria provided, single submitter. Criteria: Invitae Variant Classification Sherloc (09022015). Collection method: clinical testing. Allele origin: germline.
Comment: This sequence change replaces tyrosine, which is neutral and polar, with cysteine, which is neutral and slightly polar, at codon 197 of the PUS3 protein (p.Tyr197Cys). This variant is not present in population databases (gnomAD no frequency). This variant has not been reported in the literature in individuals affected with PUS3-related conditions. ClinVar contains an entry for this variant (Variation ID: 1508580). Invitae Evidence Modeling of protein sequence and biophysical properties (such as structural, functional, and spatial information, amino acid conservation, physicochemical variation, residue mobility, and thermodynamic stability) indicates that this missense variant is expected to disrupt PUS3 protein function with a positive predictive value of 80%. In summary, the available evidence is currently insufficient to determine the role of this variant in disease. Therefore, it has been classified as a Variant of Uncertain Significance.